The following is an entry in ClinVar:

NM_006660.5(CLPX):c.22A>G (p.Thr8Ala)

Gene: CLPX (caseinolytic mitochondrial matrix peptidase chaperone subunit X; minus strand). Cytogenetic location: 15q22.31.
Variant type: single nucleotide variant.
Coding change: c.22A>G on transcript NM_006660.5 (MANE Select); coding-DNA position 22, A replaced by G.
Protein change: p.Thr8Ala; replaces threonine 8 with alanine.
Molecular consequence: missense variant. On other transcripts: non-coding transcript variant (1).
Genome position (GRCh38, 1-based): chr15:65,185,132, T>C on the plus strand (A>G on the coding strand, the complement: CLPX is on the minus strand). VCF-style: chr15-65185132-T-C. GRCh37 (hg19) VCF-style: chr15-65477470-T-C.
Other names: short protein forms T8A.
Identifiers: ClinVar variation 1925338 (VCV001925338.5), dbSNP rs751757923, ClinGen allele CA7615042.

ClinVar aggregate classification (germline): Uncertain significance (1 of 4 stars; one submission).

Allele frequency attached by ClinVar (database versions not stated): gnomAD exomes 0.00001; TOPMed 0.00001.
gnomAD v4.1: 15 of 1,576,042 alleles (0.00095%); highest among the groups gnomAD compares: Admixed American, 0.0057%; no homozygotes.

Submission:

Labcorp Genetics (formerly Invitae), Labcorp
Classification: Uncertain significance. Last evaluated: 2022-10-01. Review status: criteria provided, single submitter. Criteria: Invitae Variant Classification Sherloc (09022015). Collection method: clinical testing. Allele origin: germline.
Comment: In summary, the available evidence is currently insufficient to determine the role of this variant in disease. Therefore, it has been classified as a Variant of Uncertain Significance. Algorithms developed to predict the effect of missense changes on protein structure and function are either unavailable or do not agree on the potential impact of this missense change (SIFT: "Not Available"; PolyPhen-2: "Benign"; Align-GVGD: "Not Available"). This variant has not been reported in the literature in individuals affected with CLPX-related conditions. This variant is present in population databases (rs751757923, gnomAD 0.01%). This sequence change replaces threonine, which is neutral and polar, with alanine, which is neutral and non-polar, at codon 8 of the CLPX protein (p.Thr8Ala).